The following is an entry in ClinVar:

NM_001148.6(ANK2):c.3271del (p.Glu1091fs)

Gene: ANK2 (ankyrin 2; plus strand). Cytogenetic location: 4q26.
Variant type: Deletion.
Coding change: c.3271del on transcript NM_001148.6 (MANE Select); coding-DNA position 3271, one base deleted (G; older notation c.3271delG).
Protein change: p.Glu1091fs; shifts the reading frame from glutamic acid 1091.
Molecular consequence: frameshift variant.
Genome position (GRCh38, 1-based): chr4:113,333,100, G deleted; the last of 2 consecutive G bases (chr4:113,333,099-113,333,100); deleting either gives the same sequence. VCF-style (leftmost placement, unchanged base first): chr4-113333098-AG-A. GRCh37 (hg19) VCF-style: chr4-114254254-AG-A.
Other names: c.3244del, p.Glu1082fs (NM_001127493.3); c.3283del, p.Glu1095fs (NM_001354225.2); c.3172del, p.Glu1058fs (NM_001354228.2, NM_001354258.2); c.3250del, p.Glu1084fs (NM_001354230.2); c.3313del, p.Glu1105fs (NM_001354231.2, NM_001354242.2); c.3307del, p.Glu1103fs (NM_001354232.2); c.3268del, p.Glu1090fs (NM_001354235.2, NM_001354246.2, NM_001354265.2); c.3169del, p.Glu1057fs (NM_001354236.2); and 28 more; short protein forms E1004fs, E1016fs, E1024fs, E1029fs, E1037fs, E1039fs, E1070fs, E1082fs.
Identifiers: ClinVar variation 4708265 (VCV004708265.1).
Genomic context (GRCh38, chr4:113,333,098, plus strand): 5'-TGCATTGCTATGTCAGGCCTGTGATCGTGGAGATCCCTCACTTTGCGGCCCTTCGAGGAA[AG>A]GAAAGGGAACTGGTGGTCCTGCGCAGTGAGAATGGGGACAGCTGGAAAGAGCATTTCTGT-3'

ClinVar aggregate classification (germline): Pathogenic (1 of 4 stars; one submission).

Conditions:
Long QT syndrome (LQTS). Identifiers: MedGen C0023976, MeSH D008133, MONDO:0002442. Disease mechanism: loss of function. Inheritance: Various modes of inheritance.

Submission:

Labcorp Genetics (formerly Invitae), Labcorp
Classification: Pathogenic for Long QT syndrome. Last evaluated: 2025-07-15. Review status: criteria provided, single submitter. Criteria: Invitae Variant Classification Sherloc (09022015). Collection method: clinical testing. Allele origin: germline.
Comment: This sequence change creates a premature translational stop signal (p.Glu1091Lysfs*27) in the ANK2 gene. It is expected to result in an absent or disrupted protein product. Loss-of-function variants in ANK2 are known to be pathogenic (PMID: 37195288). This variant is not present in population databases (gnomAD no frequency). This variant has not been reported in the literature in individuals affected with ANK2-related conditions. For these reasons, this variant has been classified as Pathogenic.

Literature cited by the submitters: PubMed 37195288.